The following is an entry in ClinVar:

ClinVar aggregate classification (germline): Uncertain significance. Review status: criteria provided, multiple submitters, no conflicts (2 of 4 stars). 2 submissions from 2 submitters: Uncertain significance (2). Last evaluated 2026-03-26.

gnomAD v4.1: 4 of 1,613,306 alleles (0.00025%); highest among the groups gnomAD compares: African/African-American, 0.0027%; no homozygotes.

Submissions (2):

GeneDx
Classification: Uncertain significance. Last evaluated: 2026-03-26. Review status: criteria provided, single submitter. Criteria: GeneDx Variant Classification Process June 2021. Collection method: clinical testing. Allele origin: germline.
Comment: Has not been previously published as pathogenic or benign to our knowledge; Not observed at significant frequency in large population cohorts (gnomAD); In silico analysis suggests that this missense variant does not alter protein structure/function

Mayo Clinic Laboratories, Mayo Clinic
Classification: Uncertain significance. Last evaluated: 2025-07-16. Review status: criteria provided, single submitter. Criteria: ACMG Guidelines, 2015. Collection method: clinical testing. Allele origin: germline. Observed: 1 variant allele.
Comment: BP4_moderate, PM2_supporting

NM_020433.5(JPH2):c.1949C>A (p.Ala650Asp)

Gene: JPH2 (junctophilin 2; minus strand). Cytogenetic location: 20q13.12.
Variant type: single nucleotide variant.
Coding change: c.1949C>A on transcript NM_020433.5 (MANE Select); coding-DNA position 1949, C replaced by A.
Protein change: p.Ala650Asp; replaces alanine 650 with aspartic acid.
Molecular consequence: missense variant.
Genome position (GRCh38, 1-based): chr20:44,115,726, G>T on the plus strand (C>A on the coding strand, the complement: JPH2 is on the minus strand). VCF-style: chr20-44115726-G-T. GRCh37 (hg19) VCF-style: chr20-42744366-G-T.
Other names: p.Ala650Asp; short protein forms A650D.
Identifiers: ClinVar variation 4542389 (VCV004542389.2).
Genomic context (GRCh38, chr20:44,115,726, plus strand): 5'-TCTTCCACCTCCACCTCCGCCTCTGCCGCCAGTGCGGCCTCCTTCCGCGCCTTCTTCTTG[G>T]CCCCCGCCTTGGTCAGCCCTCGAGCCTCAGTCTTGCGGGCCTTGGCCCTGGGCTCGGCTT-3'
Protein context (NP_065166.2, residues 640-660): TEARGLTKAG[Ala650Asp]KKKARKEAAL